The following is an entry in ClinVar:

NM_174936.4(PCSK9):c.*571C>T

Gene: PCSK9 (proprotein convertase subtilisin/kexin type 9; plus strand). Cytogenetic location: 1p32.3.
Variant type: single nucleotide variant.
Coding change: c.*571C>T on transcript NM_174936.4 (MANE Select); 571 bases downstream of the stop codon, C replaced by T.
Molecular consequence: 3 prime UTR variant.
Genome position (GRCh38, 1-based): chr1:55,064,155, C>T. VCF-style: chr1-55064155-C-T. GRCh37 (hg19) VCF-style: chr1-55529828-C-T.
Other names: c.*571C>T (NM_001407240.1, NM_001407241.1, NM_001407242.1 and 5 more transcripts).
Identifiers: ClinVar variation 297734 (VCV000297734.7), dbSNP rs662145, ClinGen allele CA10610190.

ClinVar aggregate classification (germline): Benign. Review status: criteria provided, multiple submitters, no conflicts (2 of 4 stars). 3 submissions from 2 submitters: Benign (3). Last evaluated 2018-01-12.

Conditions:
Hypobetalipoproteinemia. Identifiers: Orphanet 31154, MedGen C0020597, MONDO:0017774.
Hypercholesterolemia, autosomal dominant, 3 (FHCL3). Also called: PCSK9-Related Familial Hypercholesterolemia, Autosomal Dominant; Familial hypercholesterolemia 3; Familial Hypercholesterolemia, Autosomal Dominant, 3. Identifiers: MedGen C1863551, MONDO:0011369, OMIM 603776.

Allele frequency attached by ClinVar (database versions not stated): gnomAD 0.67233 and 0.68350; TOPMed 0.67731; 1000 Genomes Project 30x 0.71518; 1000 Genomes Project 0.72424; gnomAD exomes 0.75742.

Submissions (3):

Illumina Laboratory Services, Illumina
Classification: Benign for Hypobetalipoproteinemia. Last evaluated: 2018-01-12. Review status: criteria provided, single submitter. Criteria: ICSL Variant Classification Criteria 13 December 2019. Collection method: clinical testing. Allele origin: germline.
Comment: This variant was observed in the ICSL laboratory as part of a predisposition screen in an ostensibly healthy population. It had not been previously curated by ICSL or reported in the Human Gene Mutation Database (HGMD: prior to June 1st, 2018), and was therefore a candidate for classification through an automated scoring system. Utilizing variant allele frequency, disease prevalence and penetrance estimates, and inheritance mode, an automated score was calculated to assess if this variant is too frequent to cause the disease. Based on the score and internal cut-off values, a variant classified as benign is not then subjected to further curation. The score for this variant resulted in a classification of benign for this disease.

Illumina Laboratory Services, Illumina
Classification: Benign for Hypercholesterolemia, autosomal dominant, 3. Last evaluated: 2018-01-12. Review status: criteria provided, single submitter. Criteria: ICSL Variant Classification Criteria 13 December 2019. Collection method: clinical testing. Allele origin: germline.
Comment: the same text as in the submission from Illumina Laboratory Services, Illumina above.

Breakthrough Genomics
Classification: Benign. Review status: criteria provided, single submitter. Criteria: ACMG Guidelines, 2015. Collection method: not provided. Allele origin: germline. Inheritance: Autosomal dominant inheritance. Affected: yes.